The following is an entry in ClinVar:

ClinVar aggregate classification (germline): Conflicting classifications of pathogenicity. Review status: criteria provided, conflicting classifications (1 of 4 stars). 13 submissions from 13 submitters: Uncertain significance (7); Benign (1); Likely benign (2). 3 of the submissions do not count toward it. Last evaluated 2026-02-03.

Conditions:
Hereditary breast ovarian cancer syndrome. Also called: Hereditary breast and ovarian cancer syndrome; Hereditary breast and ovarian cancer; Hereditary breast and ovarian cancer syndrome (HBOC); Breast and ovarian cancer; Hereditary breast and/or ovarian cancer syndrome; BRCA1- and BRCA2-Associated Hereditary Breast and Ovarian Cancer. Identifiers: Orphanet 145, MedGen C0677776, MeSH D061325, MONDO:0003582. Disease mechanism: loss of function.
Breast-ovarian cancer, familial, susceptibility to, 2 (BROVCA2). Also called: BRCA2 Hereditary Breast and Ovarian Cancer. Identifiers: Orphanet 145, MedGen C2675520, MONDO:0012933, OMIM 612555. Disease mechanism: loss of function.
Hereditary cancer-predisposing syndrome. Also called: Neoplastic Syndromes, Hereditary; Tumor predisposition; Hereditary Cancer Syndrome; Hereditary neoplastic syndrome. Identifiers: Orphanet 140162, MedGen C0027672, MeSH D009386, MONDO:0015356.
BRCA2-related cancer predisposition. Identifiers: MedGen CN377758, MONDO:0700269.

gnomAD v4.1: 13 of 1,614,058 alleles (0.00081%); highest among the groups gnomAD compares: Non-Finnish European, 0.0011%; no homozygotes.

Submissions 1 to 8 of 13:

Labcorp Genetics (formerly Invitae), Labcorp
Classification: Uncertain significance for Hereditary breast ovarian cancer syndrome. Last evaluated: 2026-02-03. Review status: criteria provided, single submitter. Criteria: Invitae Variant Classification Sherloc (09022015). Collection method: clinical testing. Allele origin: germline.
Comment: This sequence change replaces phenylalanine, which is neutral and non-polar, with cysteine, which is neutral and slightly polar, at codon 376 of the BRCA2 protein (p.Phe376Cys). This variant is not present in population databases (gnomAD no frequency). This missense change has been observed in individual(s) with clinical features of BRCA2-related conditions (PMID: 10923033). ClinVar contains an entry for this variant (Variation ID: 51068). Invitae Evidence Modeling of protein sequence and biophysical properties (such as structural, functional, and spatial information, amino acid conservation, physicochemical variation, residue mobility, and thermodynamic stability) indicates that this missense variant is not expected to disrupt BRCA2 protein function with a negative predictive value of 95%. In summary, the available evidence is currently insufficient to determine the role of this variant in disease. Therefore, it has been classified as a Variant of Uncertain Significance.

Quest Diagnostics Nichols Institute San Juan Capistrano
Classification: Uncertain significance. Last evaluated: 2025-07-11. Review status: criteria provided, single submitter. Criteria: Quest Diagnostics criteria. Collection method: clinical testing. Allele origin: unknown.
Comment: The BRCA2 c.1127T>G (p.Phe376Cys) variant has been reported in the published literature in in individuals with breast and/or ovarian cancer (PMID: 34572941 (2021), 33471991 (2021), 35585550 (2022) see also LOVD), suspected breast or ovarian cancer (PMID: 38160042 (2024)), at low risk for breast cancer (PMID: 38153744 (2023)), prostate cancer (PMID: 36922933 (2022)), an unspecified type of hereditary cancer (PMID: 31853058 (2020)), as well as in reportedly unaffected individuals (PMID: 33471991 (2021), 35585550 (2022), see also LOVD). This variant has also been described to be located in a region of the BRCA2 gene that is tolerant to missense sequence changes (PMID: 31911673 (2020)) and it has been reported as functionally neutral/benign based on published computational analysis (PMIDs: 29884841 (2019), 32377563 (2020), and 35729312 (2022)). It was also described as likely benign in a multifactorial likelihood study (PMID: 31131967 (2019)). This variant has not been reported in large, multi-ethnic general populations (Genome Aggregation Database). Analysis of this variant using bioinformatics tools for the prediction of the effect of amino acid changes on protein structure and function yielded conflicting predictions that this variant is benign or damaging. Based on the available information, we are unable to determine the clinical significance of this variant.

All of Us Research Program, National Institutes of Health
Classification: Uncertain significance for BRCA2-related cancer predisposition. Last evaluated: 2024-09-17. Review status: criteria provided, single submitter. Criteria: ACMG Guidelines, 2015. Collection method: clinical testing. Allele origin: germline. Inheritance: Autosomal dominant inheritance. Observed: 3 variant alleles, 3 heterozygotes.
Comment: This missense variant replaces phenylalanine with cysteine at codon 376 of the BRCA2 protein. Computational prediction suggests that this variant may not impact protein structure and function. To our knowledge, functional studies have not been reported for this variant. This variant has been reported in 1 individual affected with breast cancer, ovarian cancer, or melanoma (PMID: 34572941), it has been detected in a breast cancer case-control meta-analysis in 3/60466 cases and 1/53461 unaffected individuals (PMID: 33471991; Leiden Open Variation Database DB-ID BRCA2_003890). Multifactorial analyses have reported likelihood ratios for pathogenicity based on co-occurrence with a pathogenic variant and personal and family history of 1.0498 and 0.216 (PMID: 31131967, 31853058). This variant has not been identified in the general population by the Genome Aggregation Database (gnomAD). The available evidence is insufficient to determine the role of this variant in disease conclusively. Therefore, this variant is classified as a Variant of Uncertain Significance.

This study involves interpretation of variants in research participants for the purpose of population health screening. Participant phenotype was not available at the time of variant classification. Additional details can be found in publication PMID: 35346344, PMCID: PMC8962531

Color Diagnostics, LLC DBA Color Health
Classification: Uncertain significance for Hereditary cancer-predisposing syndrome. Last evaluated: 2024-08-08. Review status: criteria provided, single submitter. Criteria: ACMG Guidelines, 2015. Collection method: clinical testing. Allele origin: germline.
Comment: This missense variant replaces phenylalanine with cysteine at codon 376 of the BRCA2 protein. Computational prediction suggests that this variant may not impact protein structure and function. To our knowledge, functional studies have not been reported for this variant. This variant has been reported in 1 individual affected with breast cancer, ovarian cancer, or melanoma (PMID: 34572941), it has been detected in a breast cancer case-control meta-analysis in 3/60466 cases and 1/53461 unaffected individuals (PMID: 33471991; Leiden Open Variation Database DB-ID BRCA2_003890). Multifactorial analyses have reported likelihood ratios for pathogenicity based on co-occurrence with a pathogenic variant and personal and family history of 1.0498 and 0.216 (PMID: 31131967, 31853058). This variant has not been identified in the general population by the Genome Aggregation Database (gnomAD). The available evidence is insufficient to determine the role of this variant in disease conclusively. Therefore, this variant is classified as a Variant of Uncertain Significance.

Ambry Genetics
Classification: Uncertain significance for Hereditary cancer-predisposing syndrome. Last evaluated: 2024-01-24. Review status: criteria provided, single submitter. Criteria: Ambry Variant Classification Scheme 2023. Collection method: clinical testing. Allele origin: germline.
Comment: The p.F376C variant (also known as c.1127T>G), located in coding exon 9 of the BRCA2 gene, results from a T to G substitution at nucleotide position 1127. The phenylalanine at codon 376 is replaced by cysteine, an amino acid with highly dissimilar properties. This amino acid position is poorly conserved in available vertebrate species. In addition, this alteration is predicted to be tolerated by in silico analysis. Since supporting evidence is limited at this time, the clinical significance of this alteration remains unclear.

St. Jude Molecular Pathology, St. Jude Children's Research Hospital
Classification: Uncertain significance for Breast-ovarian cancer, familial, susceptibility to, 2. Last evaluated: 2023-12-25. Review status: criteria provided, single submitter. Criteria: St. Jude Assertion Criteria 2020. Collection method: clinical testing. Allele origin: germline.
Comment: The BRCA2 c.1127T>G (p.Phe376Cys) missense change is absent in gnomAD v2.1.1. The in silico tool REVEL predicts a benign effect on protein function, but to our knowledge this prediction has not been confirmed by functional studies. To our knowledge, this variant has not been reported in individuals with Fanconi anemia. In summary, the evidence currently available is insufficient to determine the clinical significance of this variant. It has therefore been classified as of uncertain significance.

University of Washington Department of Laboratory Medicine, University of Washington
Classification: Likely benign for Hereditary cancer-predisposing syndrome. Last evaluated: 2023-03-23. Review status: criteria provided, single submitter. Criteria: Dines et al. (Genet Med. 2020). Collection method: curation. Allele origin: germline.
Comment: Missense variant in a coldspot region where missense variants are very unlikely to be pathogenic (PMID:31911673).

BRCA2 exon 10 coldspot. Reclassification based on statistical prior probability.

Myriad Genetics, Inc.
Classification: Benign for Breast-ovarian cancer, familial, susceptibility to, 2. Last evaluated: 2023-03-10. Review status: criteria provided, single submitter. Criteria: Myriad Autosomal Dominant, Autosomal Recessive and X-Linked Classification Criteria (2023). Collection method: clinical testing. Allele origin: unknown.
Comment: This variant is considered benign. This variant is strongly associated with less severe personal and family histories of cancer, typical for individuals without pathogenic variants in this gene [PMID: 25085752]. This variant has been observed in trans with a known pathogenic variant in one or more individuals lacking clinical features consistent with gene-specific recessive disease.

NM_000059.4(BRCA2):c.1127T>G (p.Phe376Cys)

Gene: BRCA2 (BRCA2 DNA repair associated; plus strand). Cytogenetic location: 13q13.1.
Variant type: single nucleotide variant.
Coding change: c.1127T>G on transcript NM_000059.4 (MANE Select); coding-DNA position 1127, T replaced by G.
Protein change: p.Phe376Cys; replaces phenylalanine 376 with cysteine.
Molecular consequence: missense variant.
Genome position (GRCh38, 1-based): chr13:32,332,605, T>G. VCF-style: chr13-32332605-T-G. GRCh37 (hg19) VCF-style: chr13-32906742-T-G.
Other names: p.F376C:TTT>TGT; short protein forms F376C.
Identifiers: ClinVar variation 51068 (VCV000051068.35), dbSNP rs80358410, ClinGen allele CA010888.